The following is an entry in ClinVar:

NM_000219.6(KCNE1):c.241T>A (p.Tyr81Asn)

Gene: KCNE1 (potassium voltage-gated channel subfamily E regulatory subunit 1; minus strand). Cytogenetic location: 21q22.12.
Variant type: single nucleotide variant.
Coding change: c.241T>A on transcript NM_000219.6 (MANE Select); coding-DNA position 241, T replaced by A.
Protein change: p.Tyr81Asn; replaces tyrosine 81 with asparagine.
Molecular consequence: missense variant.
Genome position (GRCh38, 1-based): chr21:34,449,394, A>T on the plus strand (T>A on the coding strand, the complement: KCNE1 is on the minus strand). VCF-style: chr21-34449394-A-T. GRCh37 (hg19) VCF-style: chr21-35821692-A-T.
Other names: c.241T>A, p.Tyr81Asn (NM_001127668.4, NM_001127669.4, NM_001127670.4 and 4 more transcripts); short protein forms Y81N.
Identifiers: ClinVar variation 3374415 (VCV003374415.2).

Conditions:
Long QT syndrome 5 (LQT5). Identifiers: Orphanet 101016, Orphanet 768, MedGen C1867904, MONDO:0013372, OMIM 613695.

Submission:

Roden Lab, Vanderbilt University Medical Center
No classification provided (evidence only). Condition: Long QT syndrome 5. Review status: no classification provided. Collection method: in vitro. Allele origin: not applicable. Functional consequence: Effect on ion channel function.
ClinVar note: "not provided" was previously submitted as the classification for the variant. However, the classification appeared to be based only on an observation of functional data so it was converted to no classification on 2025-07-30.